The following is an entry in ClinVar:

NM_016111.4(TELO2):c.1727G>A (p.Arg576His)

Gene: TELO2 (telomere maintenance 2; plus strand). Cytogenetic location: 16p13.3.
Variant type: single nucleotide variant.
Coding change: c.1727G>A on transcript NM_016111.4 (MANE Select); coding-DNA position 1727, G replaced by A.
Protein change: p.Arg576His; replaces arginine 576 with histidine.
Molecular consequence: missense variant.
Genome position (GRCh38, 1-based): chr16:1,502,718, G>A. VCF-style: chr16-1502718-G-A. GRCh37 (hg19) VCF-style: chr16-1552719-G-A.
Other names: c.1727G>A, p.Arg576His (NM_001351846.2); short protein forms R576H.
Identifiers: ClinVar variation 3774174 (VCV003774174.1).

ClinVar aggregate classification (germline): Uncertain significance (1 of 4 stars; one submission).

gnomAD v4.1: 33 of 1,612,620 alleles (0.002%); highest among the groups gnomAD compares: East Asian, 0.053%; no homozygotes.

Submission:

GeneDx
Classification: Uncertain significance. Last evaluated: 2024-09-23. Review status: criteria provided, single submitter. Criteria: GeneDx Variant Classification Process June 2021. Collection method: clinical testing. Allele origin: germline. Affected: yes.
Comment: In silico analysis supports that this missense variant has a deleterious effect on protein structure/function; Has not been previously published as pathogenic or benign to our knowledge